The following is an entry in ClinVar:

NM_032043.3(BRIP1):c.43A>G (p.Ile15Val)

Gene: BRIP1 (BRCA1 interacting DNA helicase 1; minus strand). Cytogenetic location: 17q23.2.
Variant type: single nucleotide variant.
Coding change: c.43A>G on transcript NM_032043.3 (MANE Select); coding-DNA position 43, A replaced by G.
Protein change: p.Ile15Val; replaces isoleucine 15 with valine.
Molecular consequence: missense variant.
Genome position (GRCh38, 1-based): chr17:61,861,497, T>C on the plus strand (A>G on the coding strand, the complement: BRIP1 is on the minus strand). VCF-style: chr17-61861497-T-C. GRCh37 (hg19) VCF-style: chr17-59938858-T-C.
Other names: short protein forms I15V.
Identifiers: ClinVar variation 576420 (VCV000576420.8), dbSNP rs1567878177, ClinGen allele CA400486009.

ClinVar aggregate classification (germline): Uncertain significance. Review status: criteria provided, multiple submitters, no conflicts (2 of 4 stars). 2 submissions from 2 submitters: Uncertain significance (2). Last evaluated 2026-01-13.

Conditions:
Fanconi anemia complementation group J. Also called: BRIP1-Related Fanconi Anemia. Identifiers: Orphanet 84, MedGen C1836860, MONDO:0012187, OMIM 609054.
Familial cancer of breast. Also called: hereditary breast carcinoma; BREAST CANCER, FAMILIAL; Hereditary breast cancer. Identifiers: Orphanet 227535, MedGen C0346153, MONDO:0016419, OMIM 114480. Disease mechanism: loss of function.
Hereditary cancer-predisposing syndrome. Also called: Hereditary neoplastic syndrome; Tumor predisposition; Hereditary Cancer Syndrome; Neoplastic Syndromes, Hereditary. Identifiers: Orphanet 140162, MedGen C0027672, MeSH D009386, MONDO:0015356.

Submissions (2):

Labcorp Genetics (formerly Invitae), Labcorp
Classification: Uncertain significance for Familial cancer of breast; Fanconi anemia complementation group J. Last evaluated: 2026-01-13. Review status: criteria provided, single submitter. Criteria: Invitae Variant Classification Sherloc (09022015). Collection method: clinical testing. Allele origin: germline.
Comment: This sequence change replaces isoleucine, which is neutral and non-polar, with valine, which is neutral and non-polar, at codon 15 of the BRIP1 protein (p.Ile15Val). This variant is not present in population databases (gnomAD no frequency). This variant has not been reported in the literature in individuals affected with BRIP1-related conditions. ClinVar contains an entry for this variant (Variation ID: 576420). Invitae Evidence Modeling of protein sequence and biophysical properties (such as structural, functional, and spatial information, amino acid conservation, physicochemical variation, residue mobility, and thermodynamic stability) indicates that this missense variant is not expected to disrupt BRIP1 protein function with a negative predictive value of 95%. Algorithms developed to predict the effect of sequence changes on RNA splicing suggest that this variant may disrupt the consensus splice site. In summary, the available evidence is currently insufficient to determine the role of this variant in disease. Therefore, it has been classified as a Variant of Uncertain Significance.

Ambry Genetics
Classification: Uncertain significance for Hereditary cancer-predisposing syndrome. Last evaluated: 2025-05-25. Review status: criteria provided, single submitter. Criteria: Ambry Variant Classification Scheme 2023. Collection method: clinical testing. Allele origin: germline.
Comment: The p.I15V variant (also known as c.43A>G), located in coding exon 1 of the BRIP1 gene, results from an A to G substitution at nucleotide position 43. The isoleucine at codon 15 is replaced by valine, an amino acid with highly similar properties. This amino acid position is conserved. In addition, this alteration is predicted to be tolerated by in silico analysis. Based on the available evidence, the clinical significance of this variant remains unclear.